The following is an entry in ClinVar:

NM_152703.5(SAMD9L):c.3700G>A (p.Gly1234Arg)

Gene: SAMD9L (sterile alpha motif domain containing 9 like; minus strand). Cytogenetic location: 7q21.2.
Variant type: single nucleotide variant.
Coding change: c.3700G>A on transcript NM_152703.5 (MANE Select); coding-DNA position 3700, G replaced by A.
Protein change: p.Gly1234Arg; replaces glycine 1234 with arginine.
Molecular consequence: missense variant.
Genome position (GRCh38, 1-based): chr7:93,132,272, C>T on the plus strand (G>A on the coding strand, the complement: SAMD9L is on the minus strand). VCF-style: chr7-93132272-C-T. GRCh37 (hg19) VCF-style: chr7-92761585-C-T.
Other names: c.3700G>A, p.Gly1234Arg (NM_001303496.3, NM_001303497.3, NM_001303498.3 and 5 more transcripts); c.3700G>A (NM_152703.2); short protein forms G1234R.
Identifiers: ClinVar variation 2657674 (VCV002657674.25), dbSNP rs1792151298, ClinGen allele CA368180501.

ClinVar aggregate classification (germline): Uncertain significance. Review status: criteria provided, multiple submitters, no conflicts (2 of 4 stars). 2 submissions from 2 submitters: Uncertain significance (2). Last evaluated 2026-08-31.

Conditions:
Inborn genetic diseases. Identifiers: MedGen C0950123, MeSH D030342.

Allele frequency attached by ClinVar (database versions not stated): TOPMed below 0.00001.

Submissions (2):

Ambry Genetics
Classification: Uncertain significance for Inborn genetic diseases. Last evaluated: 2026-08-31. Review status: criteria provided, single submitter. Criteria: Ambry Variant Classification Scheme 2023. Collection method: clinical testing. Allele origin: germline.
Comment: The p.G1234R variant (also known as c.3700G>A), located in coding exon 1 of the SAMD9L gene, results from a G to A substitution at nucleotide position 3700. The glycine at codon 1234 is replaced by arginine, an amino acid with dissimilar properties. This amino acid position is conserved. In addition, this alteration is predicted to be tolerated by in silico analysis. Based on the available evidence, the clinical significance of this variant remains unclear.

CeGaT Center for Human Genetics Tuebingen
Classification: Uncertain significance. Last evaluated: 2023-02-01. Review status: criteria provided, single submitter. Criteria: CeGaT Center For Human Genetics Tuebingen Variant Classification Criteria Version 2. Collection method: clinical testing. Allele origin: germline. Affected: yes. Observed: 1 variant allele.
Comment: SAMD9L: PM2, BP4